The following is an entry in ClinVar:

ClinVar aggregate classification (germline): Benign. Review status: criteria provided, multiple submitters, no conflicts (2 of 4 stars). 2 submissions from 2 submitters: Benign (2). Last evaluated 2018-06-18.

Allele frequency attached by ClinVar (database versions not stated): 1000 Genomes Project 30x 0.39241; 1000 Genomes Project 0.40815; gnomAD 0.37346 and 0.37642; gnomAD exomes 0.37664; TOPMed 0.37755.

Submissions (2):

GeneDx
Classification: Benign. Last evaluated: 2018-06-18. Review status: criteria provided, single submitter. Criteria: GeneDx Variant Classification (06012015). Collection method: clinical testing. Allele origin: germline. Affected: yes.
Comment: This variant is considered likely benign or benign based on one or more of the following criteria: it is a conservative change, it occurs at a poorly conserved position in the protein, it is predicted to be benign by multiple in silico algorithms, and/or has population frequency not consistent with disease.

Breakthrough Genomics
Classification: Benign. Review status: criteria provided, single submitter. Criteria: ACMG Guidelines, 2015. Collection method: not provided. Allele origin: germline. Inheritance: Unknown mechanism. Affected: yes.

NM_014476.5(PDLIM3):c.-268G>A

Gene: PDLIM3 (PDZ and LIM domain 3; minus strand). Cytogenetic location: 4q35.1.
Variant type: single nucleotide variant.
Coding change: c.-268G>A on transcript NM_014476.5; 268 bases upstream of the start codon, G replaced by A.
Genome position (GRCh38, 1-based): chr4:185,535,702, C>T on the plus strand (G>A on the coding strand, the complement: PDLIM3 is on the minus strand). VCF-style: chr4-185535702-C-T. GRCh37 (hg19) VCF-style: chr4-186456856-C-T.
Identifiers: ClinVar variation 683680 (VCV000683680.4), dbSNP rs13111317, ClinGen allele CA11672170.